The following is an entry in ClinVar:

NM_002972.4(SBF1):c.128A>G (p.Gln43Arg)

Gene: SBF1 (SET binding factor 1; minus strand). Cytogenetic location: 22q13.33.
Variant type: single nucleotide variant.
Coding change: c.128A>G on transcript NM_002972.4 (MANE Select); coding-DNA position 128, A replaced by G.
Protein change: p.Gln43Arg; replaces glutamine 43 with arginine.
Molecular consequence: missense variant.
Genome position (GRCh38, 1-based): chr22:50,468,389, T>C on the plus strand (A>G on the coding strand, the complement: SBF1 is on the minus strand). VCF-style: chr22-50468389-T-C. GRCh37 (hg19) VCF-style: chr22-50906818-T-C.
Other names: c.128A>G, p.Gln43Arg (NM_001365819.1, NM_001410794.1, NM_001410795.1 and 1 more transcripts); short protein forms Q43R.
Identifiers: ClinVar variation 1949423 (VCV001949423.5), dbSNP rs2067869363, ClinGen allele CA412224513.

ClinVar aggregate classification (germline): Uncertain significance (1 of 4 stars; one submission).

Allele frequency attached by ClinVar (database versions not stated): gnomAD exomes below 0.00001.
gnomAD v4.1: 1 of 1,613,000 alleles (0.000062%); highest among the groups gnomAD compares: Middle Eastern, 0.017%; no homozygotes.

Submission:

Labcorp Genetics (formerly Invitae), Labcorp
Classification: Uncertain significance. Last evaluated: 2022-07-22. Review status: criteria provided, single submitter. Criteria: Invitae Variant Classification Sherloc (09022015). Collection method: clinical testing. Allele origin: germline.
Comment: In summary, the available evidence is currently insufficient to determine the role of this variant in disease. Therefore, it has been classified as a Variant of Uncertain Significance. Algorithms developed to predict the effect of missense changes on protein structure and function are either unavailable or do not agree on the potential impact of this missense change (SIFT: "Tolerated"; PolyPhen-2: "Probably Damaging"; Align-GVGD: "Class C0"). This variant has not been reported in the literature in individuals affected with SBF1-related conditions. This variant is not present in population databases (gnomAD no frequency). This sequence change replaces glutamine, which is neutral and polar, with arginine, which is basic and polar, at codon 43 of the SBF1 protein (p.Gln43Arg).